The following is an entry in ClinVar:

ClinVar aggregate classification (germline): Pathogenic (1 of 4 stars; one submission).

Conditions:
Lissencephaly type 1 due to doublecortin gene mutation. Also called: LISSENCEPHALY, X-LINKED, 1; LISSENCEPHALY AND AGENESIS OF CORPUS CALLOSUM. Identifiers: Orphanet 2148, MedGen C4551968, MONDO:0010239, OMIM 300067.

Submission:

Greenwood Genetic Center Diagnostic Laboratories, Greenwood Genetic Center
Classification: Pathogenic for Lissencephaly type 1 due to doublecortin gene mutation. Last evaluated: 2026-04-21. Review status: criteria provided, single submitter. Criteria: ACMG Guidelines, 2015. Collection method: clinical testing. Allele origin: germline. Affected: yes.
Comment: PS2, PM1, PM2, PM5_Supporting, PP2, PP3

NM_001195553.2(DCX):c.592C>T (p.Leu198Phe)

Gene: DCX (doublecortin; minus strand). Cytogenetic location: Xq23.
Variant type: single nucleotide variant.
Coding change: c.592C>T on transcript NM_001195553.2 (MANE Select); coding-DNA position 592, C replaced by T.
Protein change: p.Leu198Phe; replaces leucine 198 with phenylalanine.
Molecular consequence: missense variant.
Genome position (GRCh38, 1-based): chrX:111,401,103, G>A on the plus strand (C>T on the coding strand, the complement: DCX is on the minus strand). VCF-style: chrX-111401103-G-A. GRCh37 (hg19) VCF-style: chrX-110644331-G-A.
Other names: c.835C>T, p.Leu279Phe (NM_000555.3); c.592C>T, p.Leu198Phe (NM_001369370.1, NM_001369371.1, NM_001369372.1 and 6 more transcripts); short protein forms L198F, L279F.
Identifiers: ClinVar variation 4891022 (VCV004891022.1).
Genomic context (GRCh38, chrX:111,401,103, plus strand): 5'-TGGCTTCTGTGATATCAGTGAGGACTTGCTCAAAAGAGTGGGCTGTCTTCTTGTTCAGAA[G>A]CACACGCACAGCCTTCCGAGGCTTCACCCCACTGCGGATGATGGTAACCAGCTTGGGGCG-3'
Protein context (NP_001182482.1, residues 188-208): GVKPRKAVRV[Leu198Phe]LNKKTAHSFE